The following is an entry in ClinVar:

ClinVar aggregate classification (germline): Uncertain significance. Review status: criteria provided, multiple submitters, no conflicts (2 of 4 stars). 2 submissions from 2 submitters: Uncertain significance (2). Last evaluated 2024-12-02.

Allele frequency attached by ClinVar (database versions not stated): gnomAD exomes below 0.00001; ExAC 0.00001; gnomAD 0.00001; TOPMed 0.00002.
gnomAD v4.1: 2 of 1,613,612 alleles (0.00012%); highest among the groups gnomAD compares: African/African-American, 0.0027%; no homozygotes.

Submissions (2):

GeneDx
Classification: Uncertain significance. Last evaluated: 2024-12-02. Review status: criteria provided, single submitter. Criteria: GeneDx Variant Classification Process June 2021. Collection method: clinical testing. Allele origin: germline. Affected: yes.
Comment: Not observed at significant frequency in large population cohorts (gnomAD); In silico analysis supports that this missense variant has a deleterious effect on protein structure/function; Has not been previously published as pathogenic or benign to our knowledge

Labcorp Genetics (formerly Invitae), Labcorp
Classification: Uncertain significance. Last evaluated: 2022-11-01. Review status: criteria provided, single submitter. Criteria: Invitae Variant Classification Sherloc (09022015). Collection method: clinical testing. Allele origin: germline.
Comment: This sequence change replaces tyrosine, which is neutral and polar, with aspartic acid, which is acidic and polar, at codon 98 of the USH1G protein (p.Tyr98Asp). This variant is present in population databases (rs778163212, gnomAD 0.007%). This variant has not been reported in the literature in individuals affected with USH1G-related conditions. ClinVar contains an entry for this variant (Variation ID: 1371036). Advanced modeling of protein sequence and biophysical properties (such as structural, functional, and spatial information, amino acid conservation, physicochemical variation, residue mobility, and thermodynamic stability) performed at Invitae indicates that this missense variant is expected to disrupt USH1G protein function. In summary, the available evidence is currently insufficient to determine the role of this variant in disease. Therefore, it has been classified as a Variant of Uncertain Significance.

NM_173477.5(USH1G):c.292T>G (p.Tyr98Asp)

Gene: USH1G (USH1 protein network component sans; minus strand). Cytogenetic location: 17q25.1.
Variant type: single nucleotide variant.
Coding change: c.292T>G on transcript NM_173477.5 (MANE Select); coding-DNA position 292, T replaced by G.
Protein change: p.Tyr98Asp; replaces tyrosine 98 with aspartic acid.
Molecular consequence: missense variant. On other transcripts: 5 prime UTR variant (1).
Genome position (GRCh38, 1-based): chr17:74,920,544, A>C on the plus strand (T>G on the coding strand, the complement: USH1G is on the minus strand). VCF-style: chr17-74920544-A-C. GRCh37 (hg19) VCF-style: chr17-72916639-A-C.
Other names: c.-18T>G (NM_001282489.3); c.292T>G (NM_173477.2); short protein forms Y98D.
Identifiers: ClinVar variation 1371036 (VCV001371036.4), dbSNP rs778163212, ClinGen allele CA8754100.